The following is an entry in ClinVar:

ClinVar aggregate classification (germline): Uncertain significance (1 of 4 stars; one submission).

Conditions:
Gastrointestinal stromal tumor. Also called: Gastrointestinal stromal tumor, somatic; Gastrointestinal stroma tumor. Identifiers: Orphanet 44890, MedGen C0238198, MeSH D046152, MONDO:0011719, OMIM 606764, HP:0100723.
Pheochromocytoma/paraganglioma syndrome 3. Also called: SDHC-Related Hereditary Paraganglioma-Pheochromocytoma Syndrome (Paragangliomas 3); SDHC-Related Hereditary Paraganglioma-Pheochromocytoma Syndrome; Paragangliomas 3; GLOMUS TUMORS, FAMILIAL, 3. Identifiers: Orphanet 29072, MedGen C1854336, MONDO:0011544, OMIM 605373.

Allele frequency attached by ClinVar (database versions not stated): gnomAD exomes below 0.00001.
gnomAD v4.1: 1 of 1,613,558 alleles (0.000062%); highest among the groups gnomAD compares: Non-Finnish European, 0.000085%; no homozygotes.

Submission:

Labcorp Genetics (formerly Invitae), Labcorp
Classification: Uncertain significance for Pheochromocytoma/paraganglioma syndrome 3; Gastrointestinal stromal tumor. Last evaluated: 2019-03-19. Review status: criteria provided, single submitter. Criteria: Invitae Variant Classification Sherloc (09022015). Collection method: clinical testing. Allele origin: germline.
Comment: Algorithms developed to predict the effect of missense changes on protein structure and function are either unavailable or do not agree on the potential impact of this missense change (SIFT: "Tolerated"; PolyPhen-2: "Possibly Damaging"; Align-GVGD: "Class C0"). In summary, the available evidence is currently insufficient to determine the role of this variant in disease. Therefore, it has been classified as a Variant of Uncertain Significance. This variant has not been reported in the literature in individuals with SDHC-related disease. This variant is not present in population databases (ExAC no frequency). This sequence change replaces cysteine with phenylalanine at codon 13 of the SDHC protein (p.Cys13Phe). The cysteine residue is moderately conserved and there is a large physicochemical difference between cysteine and phenylalanine.

NM_003001.5(SDHC):c.38G>T (p.Cys13Phe)

Gene: SDHC (succinate dehydrogenase complex subunit C; plus strand). Cytogenetic location: 1q23.3.
Variant type: single nucleotide variant.
Coding change: c.38G>T on transcript NM_003001.5 (MANE Select); coding-DNA position 38, G replaced by T.
Protein change: p.Cys13Phe; replaces cysteine 13 with phenylalanine.
Molecular consequence: missense variant. On other transcripts: 5 prime UTR variant (2), non-coding transcript variant (1), intron variant (4).
Genome position (GRCh38, 1-based): chr1:161,323,631, G>T. VCF-style: chr1-161323631-G-T. GRCh37 (hg19) VCF-style: chr1-161293421-G-T.
Other names: c.38G>T, p.Cys13Phe (NM_001035511.3, NM_001035512.3, NM_001278172.3 and 2 more transcripts); c.-74G>T (NM_001407119.1); c.-192G>T (NM_001407120.1); c.21-4765G>T (NM_001407116.1, NM_001407121.1, NM_001407117.1); c.20+9206G>T (NM_001035513.3); short protein forms C13F.
Identifiers: ClinVar variation 573214 (VCV000573214.12), dbSNP rs1558164528, ClinGen allele CA343359375.
Genomic context (GRCh38, chr1:161,323,631, plus strand): 5'-GATCTCTAAATGTGTATTGATTTTTGATTCTCTTATCTTGCAGACACGTTGGTCGTCATT[G>T]CCTCCGAGCCCACTTTAGCCCTCAGCTCTGTATCAGAAAGTAAGTTTCTAAGTCTGGAGA-3'
Protein context (NP_002992.1, residues 3-23): ALLLRHVGRH[Cys13Phe]LRAHFSPQLC